The following is an entry in ClinVar:

ClinVar aggregate classification (germline): Pathogenic. Review status: criteria provided, multiple submitters, no conflicts (2 of 4 stars). 3 submissions from 3 submitters: Pathogenic (3). Last evaluated 2025-10-05.

Conditions:
Neurofibromatosis, type 1 (NF1). Also called: NEUROFIBROMATOSIS, TYPE I, SOMATIC; Peripheral type neurofibromatosis; Neurofibromatosis, type I; VON RECKLINGHAUSEN DISEASE. Identifiers: Orphanet 636, MedGen C0027831, MONDO:0018975, OMIM 162200. Disease mechanism: loss of function.
Hereditary cancer-predisposing syndrome. Also called: Neoplastic Syndromes, Hereditary; Tumor predisposition; Hereditary Cancer Syndrome; Hereditary neoplastic syndrome. Identifiers: Orphanet 140162, MedGen C0027672, MeSH D009386, MONDO:0015356.
Cardiovascular phenotype. Identifiers: MedGen CN230736.

Submissions (3):

Clinical Biomedical Laboratory, Shriners Hospital For Children - Canada
Classification: Pathogenic for Neurofibromatosis, type 1. Last evaluated: 2025-10-05. Review status: criteria provided, single submitter. Criteria: ACMG Guidelines, 2015. Collection method: clinical testing. Allele origin: germline. Affected: yes.
Comment: This variant is predicted to substitute an alanine residue by a glycine residue and introduce a premature stop codon seven amino acid downstream. This variant is absent from the Genome Aggregation Database (v2.1.1).

Ambry Genetics
Classification: Pathogenic for Cardiovascular phenotype; Hereditary cancer-predisposing syndrome. Last evaluated: 2025-07-09. Review status: criteria provided, single submitter. Criteria: Ambry Variant Classification Scheme 2023. Collection method: clinical testing. Allele origin: germline.
Comment: The c.3589dupG pathogenic mutation, located in coding exon 27 of the NF1 gene, results from a duplication of G at nucleotide position 3589, causing a translational frameshift with a predicted alternate stop codon (p.A1197Gfs*7). This variant is considered to be rare based on population cohorts in the Genome Aggregation Database (gnomAD). This alteration is expected to result in loss of function by premature protein truncation or nonsense-mediated mRNA decay. As such, this alteration is interpreted as a disease-causing mutation.

Labcorp Genetics (formerly Invitae), Labcorp
Classification: Pathogenic for Neurofibromatosis, type 1. Last evaluated: 2025-03-24. Review status: criteria provided, single submitter. Criteria: Invitae Variant Classification Sherloc (09022015). Collection method: clinical testing. Allele origin: germline.
Comment: This sequence change creates a premature translational stop signal (p.Ala1197Glyfs*7) in the NF1 gene. It is expected to result in an absent or disrupted protein product. Loss-of-function variants in NF1 are known to be pathogenic (PMID: 10712197, 23913538). This variant is not present in population databases (gnomAD no frequency). This variant has not been reported in the literature in individuals affected with NF1-related conditions. For these reasons, this variant has been classified as Pathogenic.

Literature cited by the submitters: PubMed 23913538 (cited by Clinical Biomedical Laboratory, Shriners Hospital For Children - Canada and Labcorp Genetics (formerly Invitae), Labcorp); PubMed 10712197 (cited by Labcorp Genetics (formerly Invitae), Labcorp).

NM_001042492.3(NF1):c.3589dup (p.Ala1197fs)

Gene: NF1 (neurofibromin 1; plus strand). Cytogenetic location: 17q11.2.
Variant type: Duplication.
Coding change: c.3589dup on transcript NM_001042492.3 (MANE Select); coding-DNA position 3589, one base duplicated (G; older notation c.3589dupG).
Protein change: p.Ala1197fs; shifts the reading frame from alanine 1197.
Molecular consequence: frameshift variant.
Genome position (GRCh38, 1-based): chr17:31,233,094, G duplicated. VCF-style (leftmost placement, unchanged base first): chr17-31233093-T-TG. GRCh37 (hg19) VCF-style: chr17-29560111-T-TG.
Other names: c.3589dupG (NM_000267.3); c.3589dup, p.Ala1197fs (NM_000267.4); short protein forms A1197fs.
Identifiers: ClinVar variation 4119064 (VCV004119064.3).